The following is an entry in ClinVar:

ClinVar aggregate classification (germline): Benign/Likely benign. Review status: criteria provided, multiple submitters, no conflicts (2 of 4 stars). 5 submissions from 5 submitters: Benign (1); Likely benign (4). Last evaluated 2026-01-07.

Conditions:
Hereditary cancer-predisposing syndrome. Also called: Hereditary neoplastic syndrome; Neoplastic Syndromes, Hereditary; Tumor predisposition; Hereditary Cancer Syndrome. Identifiers: Orphanet 140162, MedGen C0027672, MeSH D009386, MONDO:0015356.
Familial adenomatous polyposis 1 (FAP1). Also called: POLYPOSIS, ADENOMATOUS INTESTINAL; FAMILIAL ADENOMATOUS POLYPOSIS 1, ATTENUATED. Identifiers: MedGen C2713442, MONDO:0021056, OMIM 175100. Disease mechanism: loss of function.
Classic or attenuated familial adenomatous polyposis. Identifiers: MedGen CN372698, MONDO:0021057.

Submissions (5):

Labcorp Genetics (formerly Invitae), Labcorp
Classification: Likely benign for Familial adenomatous polyposis 1. Last evaluated: 2026-01-07. Review status: criteria provided, single submitter. Criteria: Invitae Variant Classification Sherloc (09022015). Collection method: clinical testing. Allele origin: germline.

Myriad Genetics, Inc.
Classification: Benign for Familial adenomatous polyposis 1. Last evaluated: 2024-03-08. Review status: criteria provided, single submitter. Criteria: Myriad Autosomal Dominant, Autosomal Recessive and X-Linked Classification Criteria (2023). Collection method: clinical testing. Allele origin: unknown.
Comment: This variant is considered benign. This variant is a silent/synonymous amino acid change and it is not expected to impact splicing.

All of Us Research Program, National Institutes of Health
Classification: Likely benign for Classic or attenuated familial adenomatous polyposis. Last evaluated: 2023-04-10. Review status: criteria provided, single submitter. Criteria: ACMG Guidelines, 2015. Collection method: clinical testing. Allele origin: germline. Inheritance: Autosomal dominant inheritance. Observed: 1 variant allele, 1 heterozygote.
Comment: This study involves interpretation of variants in research participants for the purpose of population health screening. Participant phenotype was not available at the time of variant classification. Additional details can be found in publication PMID: 35346344, PMCID: PMC8962531

Ambry Genetics
Classification: Likely benign for Hereditary cancer-predisposing syndrome. Last evaluated: 2023-02-25. Review status: criteria provided, single submitter. Criteria: Ambry Variant Classification Scheme 2023. Collection method: clinical testing. Allele origin: germline.

Color Diagnostics, LLC DBA Color Health
Classification: Likely benign for Hereditary cancer-predisposing syndrome. Last evaluated: 2021-02-26. Review status: criteria provided, single submitter. Criteria: ACMG Guidelines, 2015. Collection method: clinical testing. Allele origin: germline.

NM_000038.6(APC):c.1980C>T (p.Asn660=)

Gene: APC (APC regulator of Wnt signaling pathway; plus strand). Cytogenetic location: 5q22.2.
Variant type: single nucleotide variant.
Coding change: c.1980C>T on transcript NM_000038.6 (MANE Select); coding-DNA position 1980, C replaced by T.
Protein change: p.Asn660=; no amino-acid change (asparagine 660 retained).
Molecular consequence: synonymous variant.
Genome position (GRCh38, 1-based): chr5:112,837,574, C>T. VCF-style: chr5-112837574-C-T. GRCh37 (hg19) VCF-style: chr5-112173271-C-T.
Other names: c.1980C>T, p.Asn660= (NM_001127510.3, NM_001354895.2); c.1926C>T, p.Asn642= (NM_001127511.3); c.2034C>T, p.Asn678= (NM_001354896.2); c.2010C>T, p.Asn670= (NM_001354897.2); c.1905C>T, p.Asn635= (NM_001354898.2); c.1896C>T, p.Asn632= (NM_001354899.2); c.1857C>T, p.Asn619= (NM_001354900.2); c.1803C>T, p.Asn601= (NM_001354901.2); and 5 more.
Identifiers: ClinVar variation 469726 (VCV000469726.15), dbSNP rs1554083856, ClinGen allele CA445963284.